The following is an entry in ClinVar:

ClinVar aggregate classification (germline): Uncertain significance. Review status: criteria provided, multiple submitters, no conflicts (2 of 4 stars). 2 submissions from 2 submitters: Uncertain significance (2). Last evaluated 2025-09-08.

Conditions:
Hereditary cancer-predisposing syndrome. Also called: Neoplastic Syndromes, Hereditary; Tumor predisposition; Hereditary Cancer Syndrome; Hereditary neoplastic syndrome. Identifiers: Orphanet 140162, MedGen C0027672, MeSH D009386, MONDO:0015356.
Rhabdoid tumor predisposition syndrome 2 (RTPS2). Identifiers: Orphanet 231108, Orphanet 69077, MedGen C2750074, MONDO:0013224, OMIM 613325.

Submissions (2):

Ambry Genetics
Classification: Uncertain significance for Hereditary cancer-predisposing syndrome. Last evaluated: 2025-09-08. Review status: criteria provided, single submitter. Criteria: Ambry Variant Classification Scheme 2023. Collection method: clinical testing. Allele origin: germline.
Comment: The p.P680L variant (also known as c.2039C>T), located in coding exon 13 of the SMARCA4 gene, results from a C to T substitution at nucleotide position 2039. The proline at codon 680 is replaced by leucine, an amino acid with similar properties. This amino acid position is not well conserved in available vertebrate species. In addition, this alteration is predicted to be tolerated by in silico analysis. Based on the available evidence, the clinical significance of this variant remains unclear.

Labcorp Genetics (formerly Invitae), Labcorp
Classification: Uncertain significance for Rhabdoid tumor predisposition syndrome 2. Last evaluated: 2023-08-28. Review status: criteria provided, single submitter. Criteria: Invitae Variant Classification Sherloc (09022015). Collection method: clinical testing. Allele origin: germline.
Comment: In summary, the available evidence is currently insufficient to determine the role of this variant in disease. Therefore, it has been classified as a Variant of Uncertain Significance. Advanced modeling of protein sequence and biophysical properties (such as structural, functional, and spatial information, amino acid conservation, physicochemical variation, residue mobility, and thermodynamic stability) performed at Invitae indicates that this missense variant is not expected to disrupt SMARCA4 protein function. ClinVar contains an entry for this variant (Variation ID: 640738). This variant has not been reported in the literature in individuals affected with SMARCA4-related conditions. This variant is not present in population databases (gnomAD no frequency). This sequence change replaces proline, which is neutral and non-polar, with leucine, which is neutral and non-polar, at codon 680 of the SMARCA4 protein (p.Pro680Leu).

NM_003072.5(SMARCA4):c.2039C>T (p.Pro680Leu)

Gene: SMARCA4 (SWI/SNF related BAF chromatin remodeling complex subunit ATPase 4; plus strand). Cytogenetic location: 19p13.2.
Variant type: single nucleotide variant.
Coding change: c.2039C>T on transcript NM_003072.5 (MANE Select); coding-DNA position 2039, C replaced by T.
Protein change: p.Pro680Leu; replaces proline 680 with leucine.
Molecular consequence: missense variant. On other transcripts: non-coding transcript variant (1).
Genome position (GRCh38, 1-based): chr19:11,007,939, C>T. VCF-style: chr19-11007939-C-T. GRCh37 (hg19) VCF-style: chr19-11118615-C-T.
Other names: c.2039C>T, p.Pro680Leu (NM_001128844.3, NM_001128845.2, NM_001128846.2 and 5 more transcripts); short protein forms P680L.
Identifiers: ClinVar variation 640738 (VCV000640738.14), dbSNP rs1600167712, ClinGen allele CA404052447.